The following is an entry in ClinVar:

NM_001130438.3(SPTAN1):c.-4G>A

Genes: SPTAN1 (spectrin alpha, non-erythrocytic 1; plus strand), LOC130002712 (ATAC-STARR-seq lymphoblastoid silent region 20345; plus strand). Cytogenetic location: 9q34.11.
Variant type: single nucleotide variant.
Coding change: c.-4G>A on transcript NM_001130438.3 (MANE Select); 4 bases upstream of the start codon, G replaced by A.
Molecular consequence: 5 prime UTR variant.
Genome position (GRCh38, 1-based): chr9:128,552,696, G>A. VCF-style: chr9-128552696-G-A. GRCh37 (hg19) VCF-style: chr9-131314975-G-A.
Other names: c.-4G>A (NM_001195532.2, NM_001363759.2, NM_001363765.2 and 1 more transcripts).
Identifiers: ClinVar variation 207341 (VCV000207341.1), dbSNP rs796053319, ClinGen allele CA318713.

ClinVar aggregate classification (germline): Likely benign (1 of 4 stars; one submission).

Submission:

GeneDx
Classification: Likely benign. Last evaluated: 2016-01-06. Review status: criteria provided, single submitter. Criteria: GeneDx Variant Classification (06012015). Collection method: clinical testing. Allele origin: germline. Affected: yes.
Comment: This variant is considered likely benign or benign based on one or more of the following criteria: it is a conservative change, it occurs at a poorly conserved position in the protein, it is predicted to be benign by multiple in silico algorithms, and/or has population frequency not consistent with disease.